The following is an entry in ClinVar:

NM_001004334.4(GPR179):c.6014C>G (p.Ala2005Gly)

Gene: GPR179 (G protein-coupled receptor 179; minus strand). Cytogenetic location: 17q12.
Variant type: single nucleotide variant.
Coding change: c.6014C>G on transcript NM_001004334.4 (MANE Select); coding-DNA position 6014, C replaced by G.
Protein change: p.Ala2005Gly; replaces alanine 2005 with glycine.
Molecular consequence: missense variant.
Genome position (GRCh38, 1-based): chr17:38,327,555, G>C on the plus strand (C>G on the coding strand, the complement: GPR179 is on the minus strand). VCF-style: chr17-38327555-G-C. GRCh37 (hg19) VCF-style: chr17-36483438-G-C.
Other names: c.6014C>G (NM_001004334.2); short protein forms A2005G.
Identifiers: ClinVar variation 1465482 (VCV001465482.7), dbSNP rs748687152, ClinGen allele CA290103178.

ClinVar aggregate classification (germline): Uncertain significance. Review status: criteria provided, multiple submitters, no conflicts (2 of 4 stars). 2 submissions from 2 submitters: Uncertain significance (2). Last evaluated 2024-08-05.

Conditions:
Inborn genetic diseases. Identifiers: MedGen C0950123, MeSH D030342.

Allele frequency attached by ClinVar (database versions not stated): gnomAD 0.00001; TOPMed 0.00002; ExAC 0.00003; gnomAD exomes 0.00004.

Submissions (2):

Ambry Genetics
Classification: Uncertain significance for Inborn genetic diseases. Last evaluated: 2024-08-05. Review status: criteria provided, single submitter. Criteria: Ambry Variant Classification Scheme 2023. Collection method: clinical testing. Allele origin: germline.

Labcorp Genetics (formerly Invitae), Labcorp
Classification: Uncertain significance. Last evaluated: 2024-02-24. Review status: criteria provided, single submitter. Criteria: Invitae Variant Classification Sherloc (09022015). Collection method: clinical testing. Allele origin: germline.
Comment: This sequence change replaces alanine, which is neutral and non-polar, with glycine, which is neutral and non-polar, at codon 2005 of the GPR179 protein (p.Ala2005Gly). This variant is present in population databases (rs748687152, gnomAD 0.03%). This variant has not been reported in the literature in individuals affected with GPR179-related conditions. ClinVar contains an entry for this variant (Variation ID: 1465482). An algorithm developed to predict the effect of missense changes on protein structure and function (PolyPhen-2) suggests that this variant is likely to be tolerated. In summary, the available evidence is currently insufficient to determine the role of this variant in disease. Therefore, it has been classified as a Variant of Uncertain Significance.